The following is an entry in ClinVar:

ClinVar aggregate classification (germline): Uncertain significance (1 of 4 stars; one submission).

gnomAD v4.1: 1 of 1,613,526 alleles (0.000062%); highest among the groups gnomAD compares: Admixed American, 0.0017%; no homozygotes.

Submission:

GeneDx
Classification: Uncertain significance. Last evaluated: 2022-01-27. Review status: criteria provided, single submitter. Criteria: GeneDx Variant Classification Process June 2021. Collection method: clinical testing. Allele origin: germline. Affected: yes.
Comment: Not observed at significant frequency in large population cohorts (gnomAD); In silico analysis supports that this missense variant has a deleterious effect on protein structure/function; Has not been previously published as pathogenic or benign to our knowledge

NM_001385012.1(NBEA):c.3173A>C (p.Asp1058Ala)

Gene: NBEA (neurobeachin; plus strand). Cytogenetic location: 13q13.3.
Variant type: single nucleotide variant.
Coding change: c.3173A>C on transcript NM_001385012.1 (MANE Select); coding-DNA position 3173, A replaced by C.
Protein change: p.Asp1058Ala; replaces aspartic acid 1058 with alanine.
Molecular consequence: missense variant.
Genome position (GRCh38, 1-based): chr13:35,159,344, A>C. VCF-style: chr13-35159344-A-C. GRCh37 (hg19) VCF-style: chr13-35733481-A-C.
Other names: c.3173A>C, p.Asp1058Ala (NM_001379245.1, NM_015678.5); short protein forms D1058A.
Identifiers: ClinVar variation 1699719 (VCV001699719.2), dbSNP rs2152710789, ClinGen allele CA387836890.